The following is an entry in ClinVar:

ClinVar aggregate classification (germline): Uncertain significance. Review status: criteria provided, multiple submitters, no conflicts (2 of 4 stars). 5 submissions from 5 submitters: Uncertain significance (4). 1 of the submissions does not count toward it. Last evaluated 2025-09-09.

Conditions:
Achromatopsia 3 (ACHM3). Also called: ACHROMATOPSIA WITH MYOPIA; ROD MONOCHROMACY 1; ROD MONOCHROMATISM 1; PINGELAPESE BLINDNESS; TOTAL COLORBLINDNESS WITH MYOPIA. Identifiers: Orphanet 49382, MedGen C1849792, MONDO:0009875, OMIM 262300.
Achromatopsia. Also called: Rod monochromatism. Identifiers: Orphanet 49382, MedGen C0152200, MONDO:0018852, HP:0011516.

Allele frequency attached by ClinVar (database versions not stated): gnomAD exomes 0.00002 and 0.00005; ExAC 0.00007; ESP Exome Variant Server 0.00015; gnomAD 0.00017 and 0.00018; TOPMed 0.00026; 1000 Genomes Project 30x 0.00047; 1000 Genomes Project 0.00060.
gnomAD v4.1: 56 of 1,604,842 alleles (0.0035%); highest among the groups gnomAD compares: African/African-American, 0.043%; no homozygotes.

Submissions (5):

Myriad Genetics, Inc.
Classification: Uncertain significance for Achromatopsia 3. Last evaluated: 2025-09-09. Review status: criteria provided, single submitter. Criteria: Myriad Autosomal Dominant, Autosomal Recessive and X-Linked Classification Criteria (2023). Collection method: clinical testing. Allele origin: unknown.
Comment: NM_019098.4(CNGB3):c.1178+6T>C is an intronic variant classified as a variant of uncertain significance in the context of achromatopsia, CNGB3-related. c.1178+6T>C has not been observed in cases with relevant disease. Relevant functional assessments of this variant are available in the literature (PMID: 40304364). c.1178+6T>C has been observed in referenced population frequency databases. In summary, there is insufficient evidence to classify NM_019098.4(CNGB3):c.1178+6T>C as pathogenic or benign. Please note: this variant was assessed in the context of healthy population screening.

Blueprint Genetics
Classification: Uncertain significance. Last evaluated: 2024-07-24. Review status: criteria provided, single submitter. Criteria: ACMG Guidelines, 2015. Collection method: clinical testing. Allele origin: germline.

Women's Health and Genetics/Laboratory Corporation of America, LabCorp
Classification: Uncertain significance. Last evaluated: 2024-01-08. Review status: criteria provided, single submitter. Criteria: LabCorp Variant Classification Summary - May 2015. Collection method: clinical testing. Allele origin: germline.

Labcorp Genetics (formerly Invitae), Labcorp
Classification: Uncertain significance. Last evaluated: 2022-08-15. Review status: criteria provided, single submitter. Criteria: Invitae Variant Classification Sherloc (09022015). Collection method: clinical testing. Allele origin: germline.
Comment: This sequence change falls in intron 10 of the CNGB3 gene. It does not directly change the encoded amino acid sequence of the CNGB3 protein. It affects a nucleotide within the consensus splice site. This variant is present in population databases (rs151236891, gnomAD 0.06%). This variant has not been reported in the literature in individuals affected with CNGB3-related conditions. ClinVar contains an entry for this variant (Variation ID: 846149). Variants that disrupt the consensus splice site are a relatively common cause of aberrant splicing (PMID: 17576681, 9536098). Algorithms developed to predict the effect of sequence changes on RNA splicing suggest that this variant may disrupt the consensus splice site. In summary, the available evidence is currently insufficient to determine the role of this variant in disease. Therefore, it has been classified as a Variant of Uncertain Significance.

Natera, Inc.
Classification: Uncertain significance for Achromatopsia. Last evaluated: 2020-01-06. Review status: no assertion criteria provided. Collection method: clinical testing. Allele origin: germline. Not counted in ClinVar's aggregate classification.

Literature cited by the submitters: PubMed 40304364 (cited by Myriad Genetics, Inc.); PubMed 17576681 (cited by Labcorp Genetics (formerly Invitae), Labcorp); PubMed 9536098 (cited by Labcorp Genetics (formerly Invitae), Labcorp).

NM_019098.5(CNGB3):c.1178+6T>C

Gene: CNGB3 (cyclic nucleotide gated channel subunit beta 3; minus strand). Cytogenetic location: 8q21.3.
Variant type: single nucleotide variant.
Coding change: c.1178+6T>C on transcript NM_019098.5 (MANE Select); 6 bases into the intron after coding-DNA position 1178, T replaced by C.
Molecular consequence: intron variant.
Genome position (GRCh38, 1-based): chr8:86,643,745, A>G on the plus strand (T>C on the coding strand, the complement: CNGB3 is on the minus strand). VCF-style: chr8-86643745-A-G. GRCh37 (hg19) VCF-style: chr8-87655973-A-G.
Identifiers: ClinVar variation 846149 (VCV000846149.7), dbSNP rs151236891, ClinGen allele CA4800140.
Genomic context (GRCh38, chr8:86,643,745, plus strand): 5'-AATTCATACAATGAAACAGAATGTTAAAAATAATCAATAAAGGTTTCTTTCAAAATCAGA[A>G]CTTACTCGTTTCCTTCCCCATCATACACCCATCTAGTAGTGCCAATTCCTTCATAGTTTG-3'